The following is an entry in ClinVar:

NM_006361.6(HOXB13):c.788G>A (p.Trp263Ter)

Gene: HOXB13 (homeobox B13; minus strand). Cytogenetic location: 17q21.32.
Variant type: single nucleotide variant.
Coding change: c.788G>A on transcript NM_006361.6 (MANE Select); coding-DNA position 788, G replaced by A.
Protein change: p.Trp263Ter; replaces tryptophan 263 with a stop codon.
Molecular consequence: nonsense.
Genome position (GRCh38, 1-based): chr17:48,726,857, C>T on the plus strand (G>A on the coding strand, the complement: HOXB13 is on the minus strand). VCF-style: chr17-48726857-C-T. GRCh37 (hg19) VCF-style: chr17-46804219-C-T.
Other names: c.788G>A (NM_006361.5); short protein forms W263*.
Identifiers: ClinVar variation 1407357 (VCV001407357.7), dbSNP rs2143065756, ClinGen allele CA400105729.
Genomic context (GRCh38, chr17:48,726,857, plus strand): 5'-GTAGCGCTGTTCTTCACCTTGGCGAGAACCTTCTTCTCTTTGACCCGGCGGTTCTGAAAC[C>T]AGATGGTAATCTGGCGCTCCGAGAGGCTGGTGGCTGCCGAGATCTTGCGCCTCTTGTCCT-3'

ClinVar aggregate classification (germline): Uncertain significance. Review status: criteria provided, multiple submitters, no conflicts (2 of 4 stars). 2 submissions from 2 submitters: Uncertain significance (2). Last evaluated 2025-11-21.

Conditions:
Hereditary cancer-predisposing syndrome. Also called: Hereditary neoplastic syndrome; Hereditary Cancer Syndrome; Neoplastic Syndromes, Hereditary; Tumor predisposition. Identifiers: Orphanet 140162, MedGen C0027672, MeSH D009386, MONDO:0015356.

Submissions (2):

Ambry Genetics
Classification: Uncertain significance for Hereditary cancer-predisposing syndrome. Last evaluated: 2025-11-21. Review status: criteria provided, single submitter. Criteria: Ambry Variant Classification Scheme 2023. Collection method: clinical testing. Allele origin: germline.
Comment: The p.W263* variant (also known as c.788G>A), located in coding exon 2 of the HOXB13 gene, results from a G to A substitution at nucleotide position 788. This changes the amino acid from a tryptophan to a stop codon within coding exon. This alteration occurs at the 3' terminus of the gene and is not expected to trigger nonsense-mediated mRNA decay. Based on the available evidence, the clinical significance of this alteration remains unclear.

Labcorp Genetics (formerly Invitae), Labcorp
Classification: Uncertain significance. Last evaluated: 2025-01-28. Review status: criteria provided, single submitter. Criteria: Invitae Variant Classification Sherloc (09022015). Collection method: clinical testing. Allele origin: germline.
Comment: This sequence change creates a premature translational stop signal (p.Trp263*) in the HOXB13 gene. While this is not anticipated to result in nonsense mediated decay, it is expected to disrupt the last 22 amino acid(s) of the HOXB13 protein. This variant is not present in population databases (gnomAD no frequency). This variant has not been reported in the literature in individuals affected with HOXB13-related conditions. ClinVar contains an entry for this variant (Variation ID: 1407357). Experimental studies and prediction algorithms are not available or were not evaluated, and the functional significance of this variant is currently unknown. In summary, the available evidence is currently insufficient to determine the role of this variant in disease. Therefore, it has been classified as a Variant of Uncertain Significance.